The following is an entry in ClinVar:

NM_001267550.2(TTN):c.63577C>T (p.Arg21193Cys)

Genes: TTN (titin; minus strand), TTN-AS1 (TTN antisense RNA 1; plus strand). Cytogenetic location: 2q31.2.
Variant type: single nucleotide variant.
Coding change: c.63577C>T on transcript NM_001267550.2 (MANE Select); coding-DNA position 63577, C replaced by T.
Protein change: p.Arg21193Cys; replaces arginine 21193 with cysteine.
Molecular consequence: missense variant.
Genome position (GRCh38, 1-based): chr2:178,587,732, G>A on the plus strand (C>T on the coding strand, the complement: TTN is on the minus strand). VCF-style: chr2-178587732-G-A. GRCh37 (hg19) VCF-style: chr2-179452459-G-A.
Other names: p.R19552C:CGT>TGT; p.Arg19552Cys; c.36382C>T, p.Arg12128Cys (NM_003319.4); c.36757C>T, p.Arg12253Cys (NM_133432.3); c.36958C>T, p.Arg12320Cys (NM_133437.4); c.58654C>T, p.Arg19552Cys (NM_001256850.1); c.55873C>T, p.Arg18625Cys (NM_133378.4); short protein forms R19552C, R21193C, R18625C, R12128C, R12320C, R12253C.
Identifiers: ClinVar variation 202776 (VCV000202776.72), dbSNP rs376800688, ClinGen allele CA310252.

ClinVar aggregate classification (germline): Conflicting classifications of pathogenicity. Review status: criteria provided, conflicting classifications (1 of 4 stars). 13 submissions from 13 submitters: Uncertain significance (5); Likely benign (8). Last evaluated 2026-06-09.

Conditions:
TTN-related disorder. Also called: TTN-related condition; TTN-related disease; TTN-related disorders.
Autosomal recessive limb-girdle muscular dystrophy type 2J (LGMDR10). Also called: Limb-girdle muscular dystrophy, type 2J; MUSCULAR DYSTROPHY, LIMB-GIRDLE, AUTOSOMAL RECESSIVE 10. Identifiers: Orphanet 140922, MedGen C1837342, MONDO:0012127, OMIM 608807.
Dilated cardiomyopathy 1G (CMD1G). Identifiers: Orphanet 154, MedGen C1858763, MONDO:0011400, OMIM 604145.
Cardiovascular phenotype. Identifiers: MedGen CN230736.
Early-onset myopathy with fatal cardiomyopathy (CMYO5). Also called: Salih Myopathy; CONGENITAL MYOPATHY 5 WITH CARDIOMYOPATHY. Identifiers: Orphanet 289377, MedGen C2673677, MONDO:0012714, OMIM 611705. Disease mechanism: loss of function.
Myopathy, myofibrillar, 9, with early respiratory failure (MFM9). Also called: EDSTROM MYOPATHY; MYOPATHY, PROXIMAL, WITH EARLY RESPIRATORY MUSCLE INVOLVEMENT; Myopathy, distal, with early respiratory failure, autosomal dominant; Hereditary myopathy with early respiratory failure. Identifiers: Orphanet 178464, Orphanet 34521, MedGen C1863599, MONDO:0011362, OMIM 603689.
Tibial muscular dystrophy (TMD). Also called: Tibial muscular dystrophy, tardive; UDD MYOPATHY; Udd Distal Myopathy – Tibial Muscular Dystrophy. Identifiers: Orphanet 609, MedGen C1838244, MONDO:0010870, OMIM 600334.
Hypertrophic cardiomyopathy 9. Also called: Familial hypertrophic cardiomyopathy 9. Identifiers: MedGen C1861065, MONDO:0013412, OMIM 613765.
Cardiomyopathy (CMYO). Also called: Cardiomyopathies. Identifiers: Orphanet 167848, MedGen C0878544, MONDO:0004994, HP:0001638. Inheritance: Various modes of inheritance.

Allele frequency attached by ClinVar (database versions not stated): ESP Exome Variant Server 0.00008; ExAC 0.00021; gnomAD exomes 0.00023 and 0.00047; TOPMed 0.00030; gnomAD 0.00034 and 0.00035.
gnomAD v4.1: 728 of 1,612,660 alleles (0.045%); highest among the groups gnomAD compares: Non-Finnish European, 0.058%; no homozygotes.

Submissions (13):

Women's Health and Genetics/Laboratory Corporation of America, LabCorp
Classification: Likely benign. Last evaluated: 2026-06-09. Review status: criteria provided, single submitter. Criteria: LabCorp Variant Classification Summary - May 2015. Collection method: clinical testing. Allele origin: germline.
Comment: Variant summary: TTN c.55873C>T (p.Arg18625Cys) results in a non-conservative amino acid change located in the A-band region of the encoded protein sequence. Algorithms developed to predict the effect of missense changes on protein structure and function are either unavailable or do not agree on the potential impact of this missense change. The variant allele was found at a frequency of 0.00023 in 247484 control chromosomes, predominantly at a frequency of 0.00049 within the Non-Finnish European subpopulation in the gnomAD database. The observed variant frequency within Non-Finnish European control individuals in the gnomAD database exceeds the estimated maximal expected allele frequency for disease-causing variants in TTN. c.55873C>T has been reported in the literature in individuals affected with Dilated Cardiomyopathy. This report does not provide unequivocal conclusions about association of the variant with disease. To our knowledge, no experimental evidence demonstrating an impact on protein function has been reported. The following publication have been ascertained in the context of this evaluation (PMID: 30847666). ClinVar contains an entry for this variant (Variation ID: 202776). Based on the evidence outlined above, the variant was classified as likely benign.

PreventionGenetics, part of Exact Sciences
Classification: Likely benign for TTN-related condition. Last evaluated: 2026-02-10. Review status: criteria provided, single submitter. Criteria: ACMG Guidelines, 2015. Collection method: clinical testing. Allele origin: germline.
Comment: This variant is classified as likely benign based on ACMG/AMP sequence variant interpretation guidelines (Richards et al. 2015 PMID: 25741868, with internal and published modifications).

Mayo Clinic Laboratories, Mayo Clinic
Classification: Likely benign. Last evaluated: 2025-06-20. Review status: criteria provided, single submitter. Criteria: ACMG Guidelines, 2015. Collection method: clinical testing. Allele origin: germline. Observed: 2 variant alleles.
Comment: BS1

Molecular Diagnostic Laboratory for Inherited Cardiovascular Disease, Montreal Heart Institute
Classification: Likely benign. Last evaluated: 2025-04-09. Review status: criteria provided, single submitter. Criteria: ACMG Guidelines, 2015. Collection method: clinical testing. Allele origin: germline. Affected: no.

Revvity Omics, Revvity
Classification: Uncertain significance. Last evaluated: 2024-04-18. Review status: criteria provided, single submitter. Criteria: ACMG Guidelines, 2015. Collection method: clinical testing. Allele origin: germline.

CeGaT Center for Human Genetics Tuebingen
Classification: Uncertain significance. Last evaluated: 2024-02-01. Review status: criteria provided, single submitter. Criteria: CeGaT Center For Human Genetics Tuebingen Variant Classification Criteria Version 2. Collection method: clinical testing. Allele origin: germline. Affected: yes. Observed: 6 variant alleles.

Department of Pathology and Laboratory Medicine, Sinai Health System
Classification: Uncertain significance for Tibial muscular dystrophy; Myopathy, myofibrillar, 9, with early respiratory failure; Dilated cardiomyopathy 1G; Autosomal recessive limb-girdle muscular dystrophy type 2J; Early-onset myopathy with fatal cardiomyopathy; Hypertrophic cardiomyopathy 9. Last evaluated: 2022-12-02. Review status: criteria provided, single submitter. Criteria: ACMG Guidelines, 2015. Collection method: research. Allele origin: germline.

CHEO Genetics Diagnostic Laboratory, Children's Hospital of Eastern Ontario
Classification: Likely benign for Cardiomyopathy. Last evaluated: 2022-05-12. Review status: criteria provided, single submitter. Criteria: ACMG Guidelines, 2015. Collection method: clinical testing. Allele origin: germline.

GeneDx
Classification: Likely benign. Last evaluated: 2021-01-04. Review status: criteria provided, single submitter. Criteria: GeneDx Variant Classification Process June 2021. Collection method: clinical testing. Allele origin: germline. Affected: yes.
Comment: This variant is associated with the following publications: (PMID: 28771489, 30847666)

Ambry Genetics
Classification: Likely benign for Cardiovascular phenotype. Last evaluated: 2020-08-10. Review status: criteria provided, single submitter. Criteria: Ambry Variant Classification Scheme 2023. Collection method: clinical testing. Allele origin: germline.

Laboratory for Molecular Medicine, Mass General Brigham Personalized Medicine
Classification: Likely benign. Last evaluated: 2019-10-24. Review status: criteria provided, single submitter. Criteria: LMM Criteria. Collection method: clinical testing. Allele origin: germline. Observed: 1 variant allele.
Comment: proposed classification - variant undergoing re-assessment, contact laboratory

Labcorp Genetics (formerly Invitae), Labcorp
Classification: Uncertain significance for Dilated cardiomyopathy 1G; Autosomal recessive limb-girdle muscular dystrophy type 2J. Last evaluated: 2017-12-07. Review status: criteria provided, single submitter. Criteria: Invitae Variant Classification Sherloc (09022015). Collection method: clinical testing. Allele origin: germline.

Eurofins Ntd Llc (ga)
Classification: Uncertain significance. Last evaluated: 2017-11-06. Review status: criteria provided, single submitter. Criteria: EGL Classification Definitions 2015. Collection method: clinical testing. Allele origin: germline. Observed: 4 variant alleles, 4 heterozygotes.

Literature cited by the submitters: PubMed 30847666 (cited by Women's Health and Genetics/Laboratory Corporation of America, LabCorp and Mayo Clinic Laboratories, Mayo Clinic); PubMed 28771489 (cited by Mayo Clinic Laboratories, Mayo Clinic and Ambry Genetics).